The following is an entry in ClinVar:

ClinVar aggregate classification (germline): Uncertain significance (1 of 4 stars; one submission).

Allele frequency attached by ClinVar (database versions not stated): gnomAD exomes below 0.00001.
gnomAD v4.1: 1 of 1,614,126 alleles (0.000062%); highest among the groups gnomAD compares: Non-Finnish European, 0.000085%; no homozygotes.

Submission:

CeGaT Center for Human Genetics Tuebingen
Classification: Uncertain significance. Last evaluated: 2024-11-01. Review status: criteria provided, single submitter. Criteria: CeGaT Center For Human Genetics Tuebingen Variant Classification Criteria Version 2. Collection method: clinical testing. Allele origin: germline. Affected: yes. Observed: 2 variant alleles.
Comment: STX1B: PM2, PP2

NM_052874.5(STX1B):c.258C>A (p.Asn86Lys)

Gene: STX1B (syntaxin 1B; minus strand). Cytogenetic location: 16p11.2.
Variant type: single nucleotide variant.
Coding change: c.258C>A on transcript NM_052874.5 (MANE Select); coding-DNA position 258, C replaced by A.
Protein change: p.Asn86Lys; replaces asparagine 86 with lysine.
Molecular consequence: missense variant.
Genome position (GRCh38, 1-based): chr16:31,000,950, G>T on the plus strand (C>A on the coding strand, the complement: STX1B is on the minus strand). VCF-style: chr16-31000950-G-T. GRCh37 (hg19) VCF-style: chr16-31012271-G-T.
Other names: short protein forms N86K.
Identifiers: ClinVar variation 2672630 (VCV002672630.23), dbSNP rs2543966413, ClinGen allele CA395651014.